The following is an entry in ClinVar:

ClinVar aggregate classification (germline): Uncertain significance (1 of 4 stars; one submission).

Allele frequency attached by ClinVar (database versions not stated): gnomAD 0.00001; gnomAD exomes 0.00001; ExAC 0.00002; TOPMed 0.00002.
gnomAD v4.1: 18 of 1,611,784 alleles (0.0011%); highest among the groups gnomAD compares: South Asian, 0.0088%; no homozygotes.

Submission:

Labcorp Genetics (formerly Invitae), Labcorp
Classification: Uncertain significance. Last evaluated: 2022-09-22. Review status: criteria provided, single submitter. Criteria: Invitae Variant Classification Sherloc (09022015). Collection method: clinical testing. Allele origin: germline.
Comment: This variant is present in population databases (rs779728724, gnomAD 0.003%). This sequence change replaces aspartic acid, which is acidic and polar, with asparagine, which is neutral and polar, at codon 972 of the DSCAML1 protein (p.Asp972Asn). This variant has not been reported in the literature in individuals affected with DSCAML1-related conditions. In summary, the available evidence is currently insufficient to determine the role of this variant in disease. Therefore, it has been classified as a Variant of Uncertain Significance. Algorithms developed to predict the effect of missense changes on protein structure and function (SIFT, PolyPhen-2, Align-GVGD) all suggest that this variant is likely to be tolerated.

NM_020693.4(DSCAML1):c.2734G>A (p.Asp912Asn)

Gene: DSCAML1 (DS cell adhesion molecule like 1; minus strand). Cytogenetic location: 11q23.3.
Variant type: single nucleotide variant.
Coding change: c.2734G>A on transcript NM_020693.4 (MANE Select); coding-DNA position 2734, G replaced by A.
Protein change: p.Asp912Asn; replaces aspartic acid 912 with asparagine.
Molecular consequence: missense variant.
Genome position (GRCh38, 1-based): chr11:117,480,494, C>T on the plus strand (G>A on the coding strand, the complement: DSCAML1 is on the minus strand). VCF-style: chr11-117480494-C-T. GRCh37 (hg19) VCF-style: chr11-117351209-C-T.
Other names: c.2734G>A, p.Asp912Asn (NM_001367904.1); short protein forms D912N.
Identifiers: ClinVar variation 1911487 (VCV001911487.5), dbSNP rs779728724, ClinGen allele CA6296898.